The following is an entry in ClinVar:

NM_177438.3(DICER1):c.1458G>C (p.Lys486Asn)

Gene: DICER1 (dicer 1, ribonuclease III; minus strand). Cytogenetic location: 14q32.13.
Variant type: single nucleotide variant.
Coding change: c.1458G>C on transcript NM_177438.3 (MANE Select); coding-DNA position 1458, G replaced by C.
Protein change: p.Lys486Asn; replaces lysine 486 with asparagine.
Molecular consequence: missense variant. On other transcripts: 5 prime UTR variant (1), non-coding transcript variant (6).
Genome position (GRCh38, 1-based): chr14:95,117,673, C>G on the plus strand (G>C on the coding strand, the complement: DICER1 is on the minus strand). VCF-style: chr14-95117673-C-G. GRCh37 (hg19) VCF-style: chr14-95584010-C-G.
Other names: c.1458G>C, p.Lys486Asn (NM_001291628.2, NM_001395677.1, NM_001395678.1 and 12 more transcripts); c.1176G>C, p.Lys392Asn (NM_001395686.1); c.1053G>C, p.Lys351Asn (NM_001395687.1, NM_001395688.1, NM_001395689.1 and 3 more transcripts); c.891G>C, p.Lys297Asn (NM_001395691.1); c.-111G>C (NM_001395697.1); short protein forms K486N, K392N, K297N, K351N.
Identifiers: ClinVar variation 4011694 (VCV004011694.1).

ClinVar aggregate classification (germline): Uncertain significance (1 of 4 stars; one submission).

Conditions:
Hereditary cancer-predisposing syndrome. Also called: Tumor predisposition; Hereditary neoplastic syndrome; Neoplastic Syndromes, Hereditary; Hereditary Cancer Syndrome. Identifiers: Orphanet 140162, MedGen C0027672, MeSH D009386, MONDO:0015356.

gnomAD v4.1: 1 of 1,614,072 alleles (0.000062%); highest among the groups gnomAD compares: Non-Finnish European, 0.000085%; no homozygotes.

Submission:

Ambry Genetics
Classification: Uncertain significance for Hereditary cancer-predisposing syndrome. Last evaluated: 2025-06-12. Review status: criteria provided, single submitter. Criteria: Ambry Variant Classification Scheme 2023. Collection method: clinical testing. Allele origin: germline.
Comment: The p.K486N variant (also known as c.1458G>C), located in coding exon 8 of the DICER1 gene, results from a G to C substitution at nucleotide position 1458. The lysine at codon 486 is replaced by asparagine, an amino acid with similar properties. This amino acid position is conserved. In addition, this alteration is predicted to be tolerated by in silico analysis. Based on the available evidence, the clinical significance of this variant remains unclear.